The following is an entry in ClinVar:

ClinVar aggregate classification (germline): Uncertain significance (1 of 4 stars; one submission).

Conditions:
GATA4-related disorder. Also called: GATA4-related condition. Identifiers: MedGen CN860321.

gnomAD v4.1: 8 of 1,541,346 alleles (0.00052%); highest among the groups gnomAD compares: South Asian, 0.0059%; no homozygotes.

Submission:

PreventionGenetics, part of Exact Sciences
Classification: Uncertain significance for GATA4-related condition. Last evaluated: 2026-05-22. Review status: criteria provided, single submitter. Criteria: ACMG Guidelines, 2015. Collection method: clinical testing. Allele origin: germline.
Comment: The GATA4 c.91G>A variant is predicted to result in the amino acid substitution p.Gly31Ser. To our knowledge, this variant has not been reported in the literature. This variant is reported in 0.0044% of alleles in individuals of South Asian descent in gnomAD. At this time, the clinical significance of this variant is uncertain due to the absence of conclusive functional and genetic evidence.

NM_001308093.3(GATA4):c.91G>A (p.Gly31Ser)

Gene: GATA4 (GATA binding protein 4). Cytogenetic location: 8p23.1.
Variant type: single nucleotide variant.
Coding change: c.91G>A on transcript NM_001308093.3 (MANE Select); coding-DNA position 91, G replaced by A.
Protein change: p.Gly31Ser; replaces glycine 31 with serine.
Molecular consequence: missense variant. On other transcripts: intron variant (3).
Genome position (GRCh38, 1-based): chr8:11,708,403, G>A. VCF-style: chr8-11708403-G-A. GRCh37 (hg19) VCF-style: chr8-11565912-G-A.
Other names: c.91G>A, p.Gly31Ser (NM_002052.5); c.-6+7625G>A (NM_001308094.2); c.-3+389G>A (NM_001374274.1); c.-3+4099G>A (NM_001374273.1); short protein forms G31S.
Identifiers: ClinVar variation 4993655 (VCV004993655.1).